The following is an entry in ClinVar:

ClinVar aggregate classification (germline): Pathogenic (1 of 4 stars; one submission).

Conditions:
Tatton-Brown-Rahman overgrowth syndrome. Also called: Tall stature-intellectual disability-facial dysmorphism syndrome; Tatton-Brown-Rahman syndrome. Identifiers: Orphanet 404443, MedGen C4014545, MONDO:0014382, OMIM 615879.

gnomAD v4.1: 12 of 1,613,952 alleles (0.00074%); highest among the groups gnomAD compares: South Asian, 0.0011%; no homozygotes.

Submission:

Labcorp Genetics (formerly Invitae), Labcorp
Classification: Pathogenic for Tatton-Brown-Rahman overgrowth syndrome. Last evaluated: 2024-01-31. Review status: criteria provided, single submitter. Criteria: Invitae Variant Classification Sherloc (09022015). Collection method: clinical testing. Allele origin: germline.
Comment: This sequence change creates a premature translational stop signal (p.Gln356*) in the DNMT3A gene. It is expected to result in an absent or disrupted protein product. Loss-of-function variants in DNMT3A are known to be pathogenic (PMID: 24614070). This variant is not present in population databases (gnomAD no frequency). This variant has not been reported in the literature in individuals affected with DNMT3A-related conditions. For these reasons, this variant has been classified as Pathogenic.

Literature cited by the submitters: PubMed 24614070.

NM_022552.5(DNMT3A):c.1066C>T (p.Gln356Ter)

Gene: DNMT3A (DNA methyltransferase 3 alpha; minus strand). Cytogenetic location: 2p23.3.
Variant type: single nucleotide variant.
Coding change: c.1066C>T on transcript NM_022552.5 (MANE Select); coding-DNA position 1066, C replaced by T.
Protein change: p.Gln356Ter; replaces glutamine 356 with a stop codon.
Molecular consequence: nonsense. On other transcripts: non-coding transcript variant (1).
Genome position (GRCh38, 1-based): chr2:25,247,107, G>A on the plus strand (C>T on the coding strand, the complement: DNMT3A is on the minus strand). VCF-style: chr2-25247107-G-A. GRCh37 (hg19) VCF-style: chr2-25469976-G-A.
Other names: c.610C>T, p.Gln204Ter (NM_001320893.1); c.397C>T, p.Gln133Ter (NM_001375819.1); c.499C>T, p.Gln167Ter (NM_153759.3); c.1066C>T, p.Gln356Ter (NM_175629.2); short protein forms Q133*, Q356*, Q167*, Q204*.
Identifiers: ClinVar variation 3714438 (VCV003714438.2).